The following is an entry in ClinVar:

NM_017780.4(CHD7):c.6158G>A (p.Arg2053Gln)

Gene: CHD7 (chromodomain helicase DNA binding protein 7; plus strand). Cytogenetic location: 8q12.2.
Variant type: single nucleotide variant.
Coding change: c.6158G>A on transcript NM_017780.4 (MANE Select); coding-DNA position 6158, G replaced by A.
Protein change: p.Arg2053Gln; replaces arginine 2053 with glutamine.
Molecular consequence: missense variant. On other transcripts: intron variant (1).
Genome position (GRCh38, 1-based): chr8:60,852,883, G>A. VCF-style: chr8-60852883-G-A. GRCh37 (hg19) VCF-style: chr8-61765442-G-A.
Other names: c.1717-9346G>A (NM_001316690.1); short protein forms R2053Q.
Identifiers: ClinVar variation 3719636 (VCV003719636.2).

ClinVar aggregate classification (germline): Uncertain significance (1 of 4 stars; one submission).

Conditions:
CHARGE syndrome (CHARGE). Also called: Hittner Hirsch Kreh syndrome; CHARGE ASSOCIATION--COLOBOMA, HEART ANOMALY, CHOANAL ATRESIA, RETARDATION, GENITAL AND EAR ANOMALIES; Coloboma, heart anomaly, choanal atresia, retardation, genital and ear anomalies; CHARGE association; Hall-Hittner syndrome. Identifiers: Orphanet 138, MedGen C0265354, MONDO:0008965.

gnomAD v4.1: 1 of 1,613,878 alleles (0.000062%); no homozygotes.

Submission:

Labcorp Genetics (formerly Invitae), Labcorp
Classification: Uncertain significance for CHARGE syndrome. Last evaluated: 2024-03-31. Review status: criteria provided, single submitter. Criteria: Invitae Variant Classification Sherloc (09022015). Collection method: clinical testing. Allele origin: germline.
Comment: This sequence change replaces arginine, which is basic and polar, with glutamine, which is neutral and polar, at codon 2053 of the CHD7 protein (p.Arg2053Gln). This variant is not present in population databases (gnomAD no frequency). This variant has not been reported in the literature in individuals affected with CHD7-related conditions. Advanced modeling of protein sequence and biophysical properties (such as structural, functional, and spatial information, amino acid conservation, physicochemical variation, residue mobility, and thermodynamic stability) performed at Invitae indicates that this missense variant is expected to disrupt CHD7 protein function with a positive predictive value of 80%. In summary, the available evidence is currently insufficient to determine the role of this variant in disease. Therefore, it has been classified as a Variant of Uncertain Significance.